The following is an entry in ClinVar:

ClinVar aggregate classification (germline): Pathogenic (1 of 4 stars; one submission).

Conditions:
Hypohidrotic X-linked ectodermal dysplasia (XHED). Also called: ECTODERMAL DYSPLASIA, HYPOHIDROTIC, 1; CST SYNDROME; Anhidrotic ectodermal dysplasia X-linked; Christ Siemens Touraine syndrome; ECTODERMAL DYSPLASIA 1, HYPOHIDROTIC, X-LINKED; ECTODERMAL DYSPLASIA 1, HYPOHIDROTIC/HAIR/TOOTH TYPE, X-LINKED. Identifiers: Orphanet 181, Orphanet 238468, MedGen C0162359, MONDO:0010585, OMIM 305100.

Submission:

Labcorp Genetics (formerly Invitae), Labcorp
Classification: Pathogenic for Hypohidrotic X-linked ectodermal dysplasia. Last evaluated: 2025-09-26. Review status: criteria provided, single submitter. Criteria: Invitae Variant Classification Sherloc (09022015). Collection method: clinical testing. Allele origin: germline.
Comment: This sequence change creates a premature translational stop signal (p.Leu123Profs*14) in the EDA gene. It is expected to result in an absent or disrupted protein product. Loss-of-function variants in EDA are known to be pathogenic (PMID: 9683615). This variant is not present in population databases (gnomAD no frequency). This variant has not been reported in the literature in individuals affected with EDA-related conditions. For these reasons, this variant has been classified as Pathogenic.

Literature cited by the submitters: PubMed 9683615.

NM_001399.5(EDA):c.368del (p.Leu123fs)

Gene: EDA (ectodysplasin A; plus strand). Cytogenetic location: Xq13.1.
Variant type: Deletion.
Coding change: c.368del on transcript NM_001399.5 (MANE Select); coding-DNA position 368, one base deleted (T; older notation c.368delT).
Protein change: p.Leu123fs; shifts the reading frame from leucine 123.
Molecular consequence: frameshift variant.
Genome position (GRCh38, 1-based): chrX:69,616,676, T deleted. VCF-style (leftmost placement, unchanged base first): chrX-69616675-CT-C. GRCh37 (hg19) VCF-style: chrX-68836519-CT-C.
Other names: c.368del, p.Leu123fs (NM_001005609.2, NM_001005610.4, NM_001005612.3 and 3 more transcripts); short protein forms L123fs.
Identifiers: ClinVar variation 4724987 (VCV004724987.1).